The following is an entry in ClinVar:

NM_015164.4(PLEKHM2):c.938T>A (p.Ile313Asn)

Gene: PLEKHM2 (pleckstrin homology and RUN domain containing M2; plus strand). Cytogenetic location: 1p36.21.
Variant type: single nucleotide variant.
Coding change: c.938T>A on transcript NM_015164.4 (MANE Select); coding-DNA position 938, T replaced by A.
Protein change: p.Ile313Asn; replaces isoleucine 313 with asparagine.
Molecular consequence: missense variant.
Genome position (GRCh38, 1-based): chr1:15,725,542, T>A. VCF-style: chr1-15725542-T-A. GRCh37 (hg19) VCF-style: chr1-16052037-T-A.
Other names: c.878T>A, p.Ile293Asn (NM_001410755.1); short protein forms I293N, I313N.
Identifiers: ClinVar variation 3640110 (VCV003640110.2).

ClinVar aggregate classification (germline): Uncertain significance (1 of 4 stars; one submission).

Submission:

Labcorp Genetics (formerly Invitae), Labcorp
Classification: Uncertain significance. Last evaluated: 2024-02-11. Review status: criteria provided, single submitter. Criteria: Invitae Variant Classification Sherloc (09022015). Collection method: clinical testing. Allele origin: germline.
Comment: This sequence change replaces isoleucine, which is neutral and non-polar, with asparagine, which is neutral and polar, at codon 313 of the PLEKHM2 protein (p.Ile313Asn). This variant is not present in population databases (gnomAD no frequency). This variant has not been reported in the literature in individuals affected with PLEKHM2-related conditions. An algorithm developed to predict the effect of missense changes on protein structure and function (PolyPhen-2) suggests that this variant is likely to be disruptive. In summary, the available evidence is currently insufficient to determine the role of this variant in disease. Therefore, it has been classified as a Variant of Uncertain Significance.